The following is an entry in ClinVar:

NM_001385.3(DPYS):c.447T>C (p.Leu149=)

Gene: DPYS (dihydropyrimidinase; minus strand). Cytogenetic location: 8q22.3.
Variant type: single nucleotide variant.
Coding change: c.447T>C on transcript NM_001385.3 (MANE Select); coding-DNA position 447, T replaced by C.
Protein change: p.Leu149=; no amino-acid change (leucine 149 retained).
Molecular consequence: synonymous variant.
Genome position (GRCh38, 1-based): chr8:104,447,480, A>G on the plus strand (T>C on the coding strand, the complement: DPYS is on the minus strand). VCF-style: chr8-104447480-A-G. GRCh37 (hg19) VCF-style: chr8-105459708-A-G.
Identifiers: ClinVar variation 3025074 (VCV003025074.24), dbSNP rs757754514, ClinGen allele CA4838562.

ClinVar aggregate classification (germline): Likely benign. Review status: criteria provided, multiple submitters, no conflicts (2 of 4 stars). 2 submissions from 2 submitters: Likely benign (2). Last evaluated 2024-09-11.

Allele frequency attached by ClinVar (database versions not stated): TOPMed below 0.00001; ExAC 0.00001; gnomAD exomes 0.00004.
gnomAD v4.1: 60 of 1,614,184 alleles (0.0037%); highest among the groups gnomAD compares: Non-Finnish European, 0.0051%; no homozygotes.

Submissions (2):

Labcorp Genetics (formerly Invitae), Labcorp
Classification: Likely benign. Last evaluated: 2024-09-11. Review status: criteria provided, single submitter. Criteria: Invitae Variant Classification Sherloc (09022015). Collection method: clinical testing. Allele origin: germline.

CeGaT Center for Human Genetics Tuebingen
Classification: Likely benign. Last evaluated: 2024-01-01. Review status: criteria provided, single submitter. Criteria: CeGaT Center For Human Genetics Tuebingen Variant Classification Criteria Version 2. Collection method: clinical testing. Allele origin: germline. Affected: yes. Observed: 1 variant allele.
Comment: DPYS: BP4, BP7